The following is an entry in ClinVar:

ClinVar aggregate classification (germline): Likely pathogenic (1 of 4 stars; one submission).

Conditions:
Autosomal recessive polycystic kidney disease (ARPKD). Also called: AR polycystic kidney disease. Identifiers: Orphanet 731, Orphanet 8378, MedGen C0085548, MeSH D017044, MONDO:0009889.

Submission:

Natera, Inc.
Classification: Likely pathogenic for Autosomal recessive polycystic kidney disease. Last evaluated: 2024-07-12. Review status: criteria provided, single submitter. Criteria: Natera Variant Classification Schema (03/2026). Collection method: clinical testing. Allele origin: germline.
Comment: The c.9849del variant in PKHD1 is a frameshift variant predicted to shift the reading frame beginning at codon 3283 and leads to a stop codon 2 codons downstream. This variant is expected to result in nonsense mediated decay, truncation, or a dysfunctional protein product. This variant is rare in the general population with a frequency below the threshold expected for the associated phenotype(s). Given the available evidence, this variant is classified as Likely Pathogenic.

NM_138694.4(PKHD1):c.9849del (p.Phe3283fs)

Gene: PKHD1 (PKHD1 ciliary IPT domain containing fibrocystin/polyductin; minus strand). Cytogenetic location: 6p12.3.
Variant type: Deletion.
Coding change: c.9849del on transcript NM_138694.4 (MANE Select); coding-DNA position 9849, one base deleted (T; older notation c.9849delT).
Protein change: p.Phe3283fs; shifts the reading frame from phenylalanine 3283.
Molecular consequence: frameshift variant.
Genome position (GRCh38, 1-based): chr6:51,746,870, A deleted on the plus strand (T on the coding strand, the reverse complement: PKHD1 is on the minus strand); the first of 4 consecutive A bases (chr6:51,746,870-51,746,873); deleting any one gives the same sequence. VCF-style (leftmost placement, unchanged base first): chr6-51746869-CA-C. GRCh37 (hg19) VCF-style: chr6-51611667-CA-C.
Other names: c.9849del, p.Phe3283fs (NM_170724.3); short protein forms F3283fs.
Identifiers: ClinVar variation 4816811 (VCV004816811.1).
Genomic context (GRCh38, chr6:51,746,869, plus strand): 5'-CACTGTTCTCTGCATTTGGTAGAATGCAGACATCCAGGTCATCGCTATAGCAACTCTTCA[CA>C]AAACTAGAAAAGGTAACATCTGAAATTTTAAAAATATGTATCATAATATTATATCATATA-3'